The following is an entry in ClinVar:

NM_017649.5(CNNM2):c.2620G>A (p.Ala874Thr)

Gene: CNNM2 (cyclin and CBS domain divalent metal cation transport mediator 2; plus strand). Cytogenetic location: 10q24.32.
Variant type: single nucleotide variant.
Coding change: c.2620G>A on transcript NM_017649.5 (MANE Select); coding-DNA position 2620, G replaced by A.
Protein change: p.Ala874Thr; replaces alanine 874 with threonine.
Molecular consequence: missense variant.
Genome position (GRCh38, 1-based): chr10:103,077,172, G>A. VCF-style: chr10-103077172-G-A. GRCh37 (hg19) VCF-style: chr10-104836929-G-A.
Other names: c.2554G>A, p.Ala852Thr (NM_199076.3); c.2620G>A (NM_017649.3); short protein forms A874T, A852T.
Identifiers: ClinVar variation 3590570 (VCV003590570.4).

ClinVar aggregate classification (germline): Uncertain significance. Review status: criteria provided, multiple submitters, no conflicts (2 of 4 stars). 3 submissions from 3 submitters: Uncertain significance (3). Last evaluated 2025-08-22.

Conditions:
Inborn genetic diseases. Identifiers: MedGen C0950123, MeSH D030342.
Renal hypomagnesemia 6. Identifiers: Orphanet 34527, MedGen C3151295, MONDO:0013480, OMIM 613882.
Hypomagnesemia, seizures, and impaired intellectual development 1. Also called: Hypomagnesemia, seizures, and intellectual disability 1. Identifiers: Orphanet 34527, MedGen C4225333, MONDO:0020787, OMIM 616418.

gnomAD v4.1: 6 of 1,612,158 alleles (0.00037%); highest among the groups gnomAD compares: African/African-American, 0.0027%; no homozygotes.

Submissions (3):

Ambry Genetics
Classification: Uncertain significance for Inborn genetic diseases. Last evaluated: 2025-08-22. Review status: criteria provided, single submitter. Criteria: Ambry Variant Classification Scheme 2023. Collection method: clinical testing. Allele origin: germline.

Labcorp Genetics (formerly Invitae), Labcorp
Classification: Uncertain significance. Last evaluated: 2024-07-30. Review status: criteria provided, single submitter. Criteria: Invitae Variant Classification Sherloc (09022015). Collection method: clinical testing. Allele origin: germline.
Comment: This sequence change replaces alanine, which is neutral and non-polar, with threonine, which is neutral and polar, at codon 874 of the CNNM2 protein (p.Ala874Thr). This variant is present in population databases (rs764133188, gnomAD 0.002%). This variant has not been reported in the literature in individuals affected with CNNM2-related conditions. An algorithm developed to predict the effect of missense changes on protein structure and function outputs the following: PolyPhen-2: "Benign". The threonine amino acid residue is found in multiple mammalian species, which suggests that this missense change does not adversely affect protein function. In summary, the available evidence is currently insufficient to determine the role of this variant in disease. Therefore, it has been classified as a Variant of Uncertain Significance.

Fulgent Genetics
Classification: Uncertain significance for Renal hypomagnesemia 6; Hypomagnesemia, seizures, and impaired intellectual development 1. Last evaluated: 2024-04-17. Review status: criteria provided, single submitter. Criteria: ACMG Guidelines, 2015. Collection method: clinical testing. Allele origin: germline.